The following is an entry in ClinVar:

NM_012431.3(SEMA3E):c.955G>C (p.Asp319His)

Gene: SEMA3E (semaphorin 3E; minus strand). Cytogenetic location: 7q21.11.
Variant type: single nucleotide variant.
Coding change: c.955G>C on transcript NM_012431.3 (MANE Select); coding-DNA position 955, G replaced by C.
Protein change: p.Asp319His; replaces aspartic acid 319 with histidine.
Molecular consequence: missense variant.
Genome position (GRCh38, 1-based): chr7:83,405,493, C>G on the plus strand (G>C on the coding strand, the complement: SEMA3E is on the minus strand). VCF-style: chr7-83405493-C-G. GRCh37 (hg19) VCF-style: chr7-83034809-C-G.
Other names: c.775G>C, p.Asp259His (NM_001178129.2); short protein forms D259H, D319H.
Identifiers: ClinVar variation 4995869 (VCV004995869.1).
Genomic context (GRCh38, chr7:83,405,493, plus strand): 5'-CTGTATAAATTTCTCACCTGGTAGTGTTAAAGAGTCCAAATATCACTGGATTCTTATGAT[C>G]TCTGGTAGGTAGCAAAAAAACGTCCTCTGAAAAATTAAAGGCCATTCCATCGCTTAGTAT-3'
Protein context (NP_036563.1, residues 309-329): LEDVFLLPTR[Asp319His]HKNPVIFGLF

ClinVar aggregate classification (germline): Uncertain significance (1 of 4 stars; one submission).

Conditions:
SEMA3E-related disorder. Also called: SEMA3E-related condition.

Submission:

PreventionGenetics, part of Exact Sciences
Classification: Uncertain significance for SEMA3E-related condition. Last evaluated: 2026-05-29. Review status: criteria provided, single submitter. Criteria: ACMG Guidelines, 2015. Collection method: clinical testing. Allele origin: germline.
Comment: The SEMA3E c.955G>C variant is predicted to result in the amino acid substitution p.Asp319His. To our knowledge, this variant has not been reported in the literature or in a large population database (gnomAD), indicating this variant is rare. At this time, the clinical significance of this variant is uncertain due to the absence of conclusive functional and genetic evidence.